The following is an entry in ClinVar:

ClinVar aggregate classification (germline): Pathogenic. Review status: criteria provided, multiple submitters, no conflicts (2 of 4 stars). 2 submissions from 2 submitters: Pathogenic (2). Last evaluated 2024-12-02.

Conditions:
Acute infantile liver failure due to synthesis defect of mtDNA-encoded proteins. Also called: LIVER FAILURE, INFANTILE, TRANSIENT; TRMU Deficiency; Liver failure acute infantile. Identifiers: Orphanet 217371, MedGen C3278664, MONDO:0013111, OMIM 613070.

Submissions (2):

Labcorp Genetics (formerly Invitae), Labcorp
Classification: Pathogenic. Last evaluated: 2024-12-02. Review status: criteria provided, single submitter. Criteria: Invitae Variant Classification Sherloc (09022015). Collection method: clinical testing. Allele origin: germline.
Comment: This sequence change creates a premature translational stop signal (p.Tyr1457*) in the NBAS gene. It is expected to result in an absent or disrupted protein product. Loss-of-function variants in NBAS are known to be pathogenic (PMID: 26073778, 26541327, 27789416, 28031453). Information on the frequency of this variant in the gnomAD database is not available, as this variant may be reported differently in the database. This variant has not been reported in the literature in individuals affected with NBAS-related conditions. ClinVar contains an entry for this variant (Variation ID: 1403703). For these reasons, this variant has been classified as Pathogenic.

Women's Health and Genetics/Laboratory Corporation of America, LabCorp
Classification: Pathogenic for Acute infantile liver failure due to synthesis defect of mtDNA-encoded proteins. Last evaluated: 2023-11-09. Review status: criteria provided, single submitter. Criteria: LabCorp Variant Classification Summary - May 2015. Collection method: clinical testing. Allele origin: germline.
Comment: Variant summary: NBAS c.4370_4371delinsGA (p.Tyr1457X) results in a premature termination codon, predicted to cause a truncation of the encoded protein or absence of the protein due to nonsense mediated decay, which are commonly known mechanisms for disease. The variant was absent in 1461676 control chromosomes (gnomAD). To our knowledge, no occurrence of c.4370_4371delinsGA in individuals affected with Liver Failure Acute Infantile, Type 2 and no experimental evidence demonstrating its impact on protein function have been reported. One submitter has reported clinical-significance assessments for this variant to ClinVar after 2014 and has classified the variant as pathogenic. Based on the evidence outlined above, the variant was classified as pathogenic.

Literature cited by the submitters: PubMed 26073778 (cited by Labcorp Genetics (formerly Invitae), Labcorp); PubMed 26541327 (cited by Labcorp Genetics (formerly Invitae), Labcorp); PubMed 27789416 (cited by Labcorp Genetics (formerly Invitae), Labcorp); PubMed 28031453 (cited by Labcorp Genetics (formerly Invitae), Labcorp).

NM_015909.4(NBAS):c.4370_4371delinsGA (p.Tyr1457Ter)

Gene: NBAS (NBAS subunit of NRZ tethering complex; minus strand). Cytogenetic location: 2p24.3.
Variant type: Indel.
Coding change: c.4370_4371delinsGA on transcript NM_015909.4 (MANE Select); coding-DNA positions 4370 to 4371, AT replaced by GA.
Protein change: p.Tyr1457Ter; replaces tyrosine 1457 with a stop codon.
Molecular consequence: nonsense. On other transcripts: non-coding transcript variant (1).
Genome position (GRCh38, 1-based): chr2:15,328,289-15,328,290, AT replaced by TC on the plus strand (AT replaced by GA on the coding strand, the reverse complement: NBAS is on the minus strand). VCF-style: chr2-15328289-AT-TC. GRCh37 (hg19) VCF-style: chr2-15468413-AT-TC.
Other names: short protein forms Y1457*.
Identifiers: ClinVar variation 1403703 (VCV001403703.7), dbSNP rs2148225587, ClinGen allele CA2573133154.